The following is an entry in ClinVar:

ClinVar aggregate classification (germline): Pathogenic/Likely pathogenic. Review status: criteria provided, multiple submitters, no conflicts (2 of 4 stars). 2 submissions from 2 submitters: Pathogenic (1); Likely pathogenic (1). Last evaluated 2025-11-17.

Conditions:
Neurofibromatosis, type 1 (NF1). Also called: VON RECKLINGHAUSEN DISEASE; Neurofibromatosis, type I; NEUROFIBROMATOSIS, TYPE I, SOMATIC; Peripheral type neurofibromatosis. Identifiers: Orphanet 636, MedGen C0027831, MONDO:0018975, OMIM 162200. Disease mechanism: loss of function.

Submissions (2):

Labcorp Genetics (formerly Invitae), Labcorp
Classification: Pathogenic for Neurofibromatosis, type 1. Last evaluated: 2025-11-17. Review status: criteria provided, single submitter. Criteria: Invitae Variant Classification Sherloc (09022015). Collection method: clinical testing. Allele origin: germline.
Comment: This sequence change creates a premature translational stop signal (p.Phe960Ilefs*15) in the NF1 gene. It is expected to result in an absent or disrupted protein product. Loss-of-function variants in NF1 are known to be pathogenic (PMID: 10712197, 23913538). This variant is not present in population databases (gnomAD no frequency). This variant has not been reported in the literature in individuals affected with NF1-related conditions. ClinVar contains an entry for this variant (Variation ID: 4293366). Algorithms developed to predict the effect of sequence changes on RNA splicing suggest that this variant may disrupt the consensus splice site. For these reasons, this variant has been classified as Pathogenic.

3billion
Classification: Likely pathogenic for Neurofibromatosis, type 1. Last evaluated: 2024-12-05. Review status: criteria provided, single submitter. Criteria: ACMG Guidelines, 2015. Collection method: clinical testing. Allele origin: germline. Affected: yes.
Comment: The variant is not observed in the gnomAD v4.1.0 dataset. Predicted Consequence/Location: Frameshift: predicted to result in a loss or disruption of normal protein function through nonsense-mediated decay (NMD) or protein truncation. Multiple pathogenic variants are reported downstream of the variant. Therefore, this variant is classified as Likely pathogenic according to the recommendation of ACMG/AMP guideline.

Literature cited by the submitters: PubMed 10712197 (cited by Labcorp Genetics (formerly Invitae), Labcorp); PubMed 23913538 (cited by Labcorp Genetics (formerly Invitae), Labcorp).

NM_001042492.3(NF1):c.2877dup (p.Phe960fs)

Gene: NF1 (neurofibromin 1; plus strand). Cytogenetic location: 17q11.2.
Variant type: Duplication.
Coding change: c.2877dup on transcript NM_001042492.3 (MANE Select); coding-DNA position 2877, one base duplicated (A; older notation c.2877dupA).
Protein change: p.Phe960fs; shifts the reading frame from phenylalanine 960.
Molecular consequence: frameshift variant.
Genome position (GRCh38, 1-based): chr17:31,229,861, A duplicated; the last of 2 consecutive A bases (chr17:31,229,860-31,229,861); duplicating either gives the same sequence. VCF-style (leftmost placement, unchanged base first): chr17-31229859-C-CA. GRCh37 (hg19) VCF-style: chr17-29556877-C-CA.
Other names: c.2877dup, p.Phe960fs (NM_000267.4); short protein forms F960fs.
Identifiers: ClinVar variation 4293366 (VCV004293366.2).
Genomic context (GRCh38, chr17:31,229,859, plus strand): 5'-GATGGCAAATCATTAATGTATTTGTTCTTTCTTTAGGTTTTATTGACTGATACCAATACT[C>CA]AATTTGTAGAACAAACCATAGCTATAATGAAGAACTTGCTAGATAATCATACTGAAGGCA-3'